The following is an entry in ClinVar:

NM_000350.3(ABCA4):c.1621_1622del (p.Leu541fs)

Gene: ABCA4 (ATP binding cassette subfamily A member 4; minus strand). Cytogenetic location: 1p22.1.
Variant type: Microsatellite.
Coding change: c.1621_1622del on transcript NM_000350.3 (MANE Select); coding-DNA positions 1621 to 1622, 2 bases deleted (CT; older notation c.1621_1622delCT).
Protein change: p.Leu541fs; shifts the reading frame from leucine 541.
Molecular consequence: frameshift variant.
Genome position (GRCh38, 1-based): chr1:94,063,250-94,063,251, AG deleted on the plus strand (CT on the coding strand, the reverse complement: ABCA4 is on the minus strand); deleting any 2 consecutive bases within chr1:94,063,250-94,063,257 gives the same sequence; the c. name uses the placement nearest the transcript's 3' end. VCF-style (leftmost placement, unchanged base first): chr1-94063249-TAG-T. GRCh37 (hg19) VCF-style: chr1-94528805-TAG-T.
Other names: c.1615_1616CT[3], p.Leu541Thrfs (NM_001425324.1); short protein forms L541fs.
Identifiers: ClinVar variation 433181 (VCV000433181.3), dbSNP rs1553192715, ClinGen allele CA645372402.

ClinVar aggregate classification (germline): Pathogenic/Likely pathogenic. Review status: criteria provided, multiple submitters, no conflicts (2 of 4 stars). 2 submissions from 2 submitters: Pathogenic (1); Likely pathogenic (1). Last evaluated 2021-01-30.

Conditions:
Severe early-childhood-onset retinal dystrophy (STGD1). Also called: MACULAR DYSTROPHY WITH FLECKS, TYPE 1; STGD; Stargardt macular dystrophy; Juvenile onset macular degeneration; Stargardt disease 1. Identifiers: Orphanet 364055, Orphanet 827, MedGen C1855465, MeSH D000080362, MONDO:0009549, OMIM 248200.

Submissions (2):

Institute of Medical Molecular Genetics, University of Zurich
Classification: Likely pathogenic for Severe early-childhood-onset retinal dystrophy. Last evaluated: 2021-01-30. Review status: criteria provided, single submitter. Criteria: ACMG Guidelines, 2015. Collection method: clinical testing. Allele origin: unknown. Affected: yes.

Center of Genomic medicine, Geneva, University Hospital of Geneva
Classification: Pathogenic for Severe early-childhood-onset retinal dystrophy. Last evaluated: 2017-06-19. Review status: criteria provided, single submitter. Criteria: ACMG Guidelines, 2015. Collection method: clinical testing. Allele origin: germline. Affected: yes.
Comment: However, despite extensive searches in the ABCA4 exome data, we were not able to identify a second variant in this gene.